The following is an entry in ClinVar:

ClinVar aggregate classification (germline): Uncertain significance (1 of 4 stars; one submission).

Submission:

GeneDx
Classification: Uncertain significance. Last evaluated: 2022-11-17. Review status: criteria provided, single submitter. Criteria: GeneDx Variant Classification Process June 2021. Collection method: clinical testing. Allele origin: germline. Affected: yes.
Comment: Not observed at significant frequency in large population cohorts (gnomAD); In silico analysis supports that this missense variant has a deleterious effect on protein structure/function; Has not been previously published as pathogenic or benign to our knowledge

NM_014159.7(SETD2):c.6305C>T (p.Pro2102Leu)

Gene: SETD2 (SET domain containing 2, histone lysine methyltransferase; minus strand). Cytogenetic location: 3p21.31.
Variant type: single nucleotide variant.
Coding change: c.6305C>T on transcript NM_014159.7 (MANE Select); coding-DNA position 6305, C replaced by T.
Protein change: p.Pro2102Leu; replaces proline 2102 with leucine.
Molecular consequence: missense variant. On other transcripts: non-coding transcript variant (1).
Genome position (GRCh38, 1-based): chr3:47,057,479, G>A on the plus strand (C>T on the coding strand, the complement: SETD2 is on the minus strand). VCF-style: chr3-47057479-G-A. GRCh37 (hg19) VCF-style: chr3-47098969-G-A.
Other names: c.6173C>T, p.Pro2058Leu (NM_001349370.3); short protein forms P2058L, P2102L.
Identifiers: ClinVar variation 2502699 (VCV002502699.1), dbSNP rs750635731, ClinGen allele CA352521837.